The following is an entry in ClinVar:

ClinVar aggregate classification (germline): Uncertain significance. Review status: criteria provided, multiple submitters, no conflicts (2 of 4 stars). 3 submissions from 3 submitters: Uncertain significance (2). 1 of the submissions does not count toward it. Last evaluated 2026-04-14.

Conditions:
Retinitis pigmentosa 25 (RP25). Identifiers: Orphanet 791, MedGen C1864446, MONDO:0011272, OMIM 602772.

Allele frequency attached by ClinVar (database versions not stated): gnomAD 0.00002 and 0.00003; gnomAD exomes 0.00002 and 0.00003; TOPMed 0.00003.
gnomAD v4.1: 38 of 1,548,770 alleles (0.0025%); highest among the groups gnomAD compares: Non-Finnish European, 0.0033%; no homozygotes.

Submissions (3):

Women's Health and Genetics/Laboratory Corporation of America, LabCorp
Classification: Uncertain significance. Last evaluated: 2026-04-14. Review status: criteria provided, single submitter. Criteria: LabCorp Variant Classification Summary - May 2015. Collection method: clinical testing. Allele origin: germline.

Labcorp Genetics (formerly Invitae), Labcorp
Classification: Uncertain significance. Last evaluated: 2024-10-13. Review status: criteria provided, single submitter. Criteria: Invitae Variant Classification Sherloc (09022015). Collection method: clinical testing. Allele origin: germline.
Comment: This sequence change falls in intron 41 of the EYS gene. It does not directly change the encoded amino acid sequence of the EYS protein. It affects a nucleotide within the consensus splice site. This variant is present in population databases (no rsID available, gnomAD 0.003%). This variant has not been reported in the literature in individuals affected with EYS-related conditions. ClinVar contains an entry for this variant (Variation ID: 1009495). Variants that disrupt the consensus splice site are a relatively common cause of aberrant splicing (PMID: 17576681, 9536098). Algorithms developed to predict the effect of sequence changes on RNA splicing suggest that this variant is not likely to affect RNA splicing. In summary, the available evidence is currently insufficient to determine the role of this variant in disease. Therefore, it has been classified as a Variant of Uncertain Significance.

Natera, Inc.
Classification: Uncertain significance for Retinitis pigmentosa type 25. Last evaluated: 2020-09-16. Review status: no assertion criteria provided. Collection method: clinical testing. Allele origin: germline. Not counted in ClinVar's aggregate classification.

Literature cited by the submitters: PubMed 17576681 (cited by Labcorp Genetics (formerly Invitae), Labcorp); PubMed 9536098 (cited by Labcorp Genetics (formerly Invitae), Labcorp).

NM_001142800.2(EYS):c.8071+3G>A

Gene: EYS (EGF-like photoreceptor maintenance factor; minus strand). Cytogenetic location: 6q12.
Variant type: single nucleotide variant.
Coding change: c.8071+3G>A on transcript NM_001142800.2 (MANE Select); 3 bases into the intron after coding-DNA position 8071, G replaced by A.
Molecular consequence: intron variant.
Genome position (GRCh38, 1-based): chr6:63,762,458, C>T on the plus strand (G>A on the coding strand, the complement: EYS is on the minus strand). VCF-style: chr6-63762458-C-T. GRCh37 (hg19) VCF-style: chr6-64472351-C-T.
Other names: c.8071+3G>A (NM_001292009.2).
Identifiers: ClinVar variation 1009495 (VCV001009495.5), dbSNP rs976010036, ClinGen allele CA140241314.